The following is an entry in ClinVar:

NM_007315.4(STAT1):c.1128-1G>A

Gene: STAT1 (signal transducer and activator of transcription 1; minus strand). Cytogenetic location: 2q32.2.
Variant type: single nucleotide variant.
Coding change: c.1128-1G>A on transcript NM_007315.4 (MANE Select); the canonical splice acceptor site of the intron before coding-DNA position 1128, G replaced by A.
Molecular consequence: splice acceptor variant. On other transcripts: intron variant (1).
Genome position (GRCh38, 1-based): chr2:190,986,948, C>T on the plus strand (G>A on the coding strand, the complement: STAT1 is on the minus strand). VCF-style: chr2-190986948-C-T. GRCh37 (hg19) VCF-style: chr2-191851674-C-T.
Other names: c.1038-1G>A (NM_001384890.1); c.1029-1G>A (NM_001384883.1); c.969-1G>A (NM_001384885.1); c.1035-1G>A (NM_001384887.1); c.1068-1G>A (NM_001384880.1); c.1098-1G>A (NM_001384888.1); c.1128-7G>A (NM_001384882.1); c.1128-1G>A (NM_001384889.1, NM_001384886.1, NM_139266.3); and 2 more.
Identifiers: ClinVar variation 2042449 (VCV002042449.4), dbSNP rs2470465594, ClinGen allele CA349919255.

ClinVar aggregate classification (germline): Likely pathogenic (1 of 4 stars; one submission).

Conditions:
Autoimmune enteropathy and endocrinopathy - susceptibility to chronic infections syndrome. Also called: Immunodeficiency 31C, autosomal dominant; Immunodeficiency 31C. Identifiers: Orphanet 391487, MedGen C3279990, MONDO:0013599, OMIM 614162.
Mendelian susceptibility to mycobacterial diseases due to partial STAT1 deficiency. Also called: IMMUNODEFICIENCY 31A, MYCOBACTERIOSIS, AUTOSOMAL DOMINANT; STAT1 DEFICIENCY, AUTOSOMAL DOMINANT; Immunodeficiency 31a. Identifiers: Orphanet 319595, MedGen C4013950, MONDO:0013956, OMIM 614892.
Immunodeficiency 31B. Also called: IMMUNODEFICIENCY 31B, MYCOBACTERIAL AND VIRAL INFECTIONS, AUTOSOMAL RECESSIVE; STAT1 DEFICIENCY, AUTOSOMAL RECESSIVE. Identifiers: Orphanet 391311, MedGen C3151088, MONDO:0013427, OMIM 613796.

Submission:

Labcorp Genetics (formerly Invitae), Labcorp
Classification: Likely pathogenic for Mendelian susceptibility to mycobacterial diseases due to partial STAT1 deficiency; Immunodeficiency 31B; Autoimmune enteropathy and endocrinopathy - susceptibility to chronic infections syndrome. Last evaluated: 2023-12-06. Review status: criteria provided, single submitter. Criteria: Invitae Variant Classification Sherloc (09022015). Collection method: clinical testing. Allele origin: germline.
Comment: This sequence change affects an acceptor splice site in intron 13 of the STAT1 gene. It is expected to disrupt RNA splicing. Variants that disrupt the donor or acceptor splice site typically lead to a loss of protein function (PMID: 16199547), and loss-of-function variants in STAT1 are known to be pathogenic (PMID: 22651901). This variant is not present in population databases (gnomAD no frequency). This variant has not been observed in the literature in individuals with autosomal recessive STAT1-related conditions. This variant has been reported in individual(s) with clinical features of autosomal dominant Mendelian susceptibility to mycobacterial disease (Invitae); however, the role of the variant in this condition is currently unclear. ClinVar contains an entry for this variant (Variation ID: 2042449). Algorithms developed to predict the effect of sequence changes on RNA splicing suggest that this variant may disrupt the consensus splice site. In summary, the currently available evidence indicates that the variant is pathogenic, but additional data are needed to prove that conclusively. Therefore, this variant has been classified as Likely Pathogenic.

Literature cited by the submitters: PubMed 16199547; PubMed 22651901.